The following continues an entry in ClinVar:

NM_001267550.2(TTN):c.5993G>A (p.Arg1998His)

Gene: TTN. ClinVar aggregate classification (germline): Conflicting classifications of pathogenicity. Uncertain significance (3); Benign (9); Likely benign (5).

Submissions 17 to 24 of 24:

Ambry Genetics
Classification: Uncertain significance for Cardiovascular phenotype. Last evaluated: 2013-01-06. Review status: criteria provided, single submitter. Criteria: Ambry Autosomal Dominant and X-Linked criteria (10/2015). Collection method: clinical testing. Allele origin: germline. Observed: 1 variant allele.
Comment: There is insufficient or conflicting evidence for classification of this alteration.

GeneDx
No classification provided. Last evaluated: 2013-03-14. Review status: no classification provided. Criteria: GeneDx Variant Classification (06012015). Collection method: clinical testing. Allele origin: germline. Affected: yes. Not counted in ClinVar's aggregate classification.
Comment: Missense variants in the TTN gene are considered 'unclassified' if they are not previously reported in the literature and do not have >1% frequency in the population to be considered a polymorphism. Research indicates that truncating mutations in the TTN gene are expected to account for approximately 25% of familial and 18% of sporadic idiopathic DCM; however, truncating variants in the TTN gene have been reported in approximately 3% of reported control alleles. There has been little investigation into non-truncating variants. (Herman D et al. Truncations of titin causing dilated cardiomyopathy. N Eng J Med 366:619-628, 2012) The variant is found in DCM panel(s).

Clinical Genetics DNA and cytogenetics Diagnostics Lab, Erasmus MC, Erasmus Medical Center
Classification: Likely benign. Review status: no assertion criteria provided. Collection method: clinical testing. Allele origin: germline. Affected: yes. Study: VKGL Data-share Consensus. Not counted in ClinVar's aggregate classification.

Clinical Genetics, Academic Medical Center
Classification: Benign. Review status: no assertion criteria provided. Collection method: clinical testing. Allele origin: germline. Affected: yes. Study: VKGL Data-share Consensus. Not counted in ClinVar's aggregate classification.

Diagnostic Laboratory, Department of Genetics, University Medical Center Groningen
Classification: Likely benign. Review status: no assertion criteria provided. Collection method: clinical testing. Allele origin: germline. Affected: yes. Study: VKGL Data-share Consensus. Not counted in ClinVar's aggregate classification.

Genome Diagnostics Laboratory, University Medical Center Utrecht
Classification: Likely benign. Review status: no assertion criteria provided. Collection method: clinical testing. Allele origin: germline. Affected: yes. Study: VKGL Data-share Consensus. Not counted in ClinVar's aggregate classification.

Joint Genome Diagnostic Labs from Nijmegen and Maastricht, Radboudumc and MUMC+
Classification: Benign. Review status: no assertion criteria provided. Collection method: clinical testing. Allele origin: germline. Affected: yes. Study: VKGL Data-share Consensus. Not counted in ClinVar's aggregate classification.

Practice for Gait Abnormalities, David Pomarino, Competency Network Toe Walking C/o Practice Pomarino
Classification: Likely pathogenic for Tip-toe gait. Review status: no assertion criteria provided. Collection method: clinical testing. Allele origin: germline. Affected: yes. Not counted in ClinVar's aggregate classification.
Comment: Myopathy refers to diseases that affect skeletal Muscles. These diseases attack muscle fibers, making muscles weak. Inherited myopathies are often caused by inheriting an abnormal gene mutation from a parent that causes the disease. Symptoms of congenital myopathies usually start at birth or in early childhood, but may not appear until the teen years or even later in adulthood. Congenital myopathies are somewhat unique compared with other inherited myopathies, as weakness typically affects all muscles and is often not progressive. Symptoms are: Muscle weakness, most commonly of upper arms and shoulders and thighs, muscle cramps, stiffness and spasms, fatigue with exertion and lack of energy. Our patients all walk on tiptoe, so they show similar symptoms. When we genetically test them with our toe walking panel, we find that around 90 per cent of them have a genetic variant that explains their toe walking. These can be assigned, for example, to the area of myopathies (such as variants of the COL6A3 gene), the area of hereditary neuropathies (such as variants of the KMT2C gene) or the area of metabolic diseases (such as variants of the PYGM gene). In a smaller group of patients with almost identical symptoms, no abnormality is found in the genes of our panel, but spastic paraplegia can be detected. In another small group of our toe walkers, no abnormalities can be detected in the genes analysed in our toe walking panel, nor do they suffer from spastic paraplegia, as is also the case with healthy children. In contrast to these, however, they show a tiptoe gait. These patients suffer from infantile cerebral palsy, in which toe walking can also be observed.

Literature cited by the submitters: PubMed 24503780 (cited by 3 submitters); PubMed 23861362 (cited by 3 submitters); PubMed 17344846 (cited by Laboratory for Molecular Medicine, Mass General Brigham Personalized Medicine and Illumina Laboratory Services, Illumina); PubMed 27930701 (cited by Illumina Laboratory Services, Illumina); PubMed 37091313 (cited by Practice for Gait Abnormalities, David Pomarino, Competency Network Toe Walking C/o Practice Pomarino).